The following is an entry in ClinVar:

NM_032444.4(SLX4):c.1696G>T (p.Glu566Ter)

Gene: SLX4 (SLX4 structure-specific endonuclease subunit; minus strand). Cytogenetic location: 16p13.3.
Variant type: single nucleotide variant.
Coding change: c.1696G>T on transcript NM_032444.4 (MANE Select); coding-DNA position 1696, G replaced by T.
Protein change: p.Glu566Ter; replaces glutamic acid 566 with a stop codon.
Molecular consequence: nonsense.
Genome position (GRCh38, 1-based): chr16:3,596,381, C>A on the plus strand (G>T on the coding strand, the complement: SLX4 is on the minus strand). VCF-style: chr16-3596381-C-A. GRCh37 (hg19) VCF-style: chr16-3646382-C-A.
Other names: short protein forms E566*.
Identifiers: ClinVar variation 2646115 (VCV002646115.24), dbSNP rs2151130274, ClinGen allele CA394527827.

ClinVar aggregate classification (germline): Pathogenic (1 of 4 stars; one submission).

Allele frequency attached by ClinVar (database versions not stated): gnomAD exomes below 0.00001.

Submission:

CeGaT Center for Human Genetics Tuebingen
Classification: Pathogenic. Last evaluated: 2023-10-01. Review status: criteria provided, single submitter. Criteria: CeGaT Center For Human Genetics Tuebingen Variant Classification Criteria Version 2. Collection method: clinical testing. Allele origin: germline. Affected: yes. Observed: 1 variant allele.
Comment: SLX4: PVS1, PM2